The following is an entry in ClinVar:

NM_001083962.2(TCF4):c.562T>A (p.Ser188Thr)

Gene: TCF4 (transcription factor 4; minus strand). Cytogenetic location: 18q21.2.
Variant type: single nucleotide variant.
Coding change: c.562T>A on transcript NM_001083962.2 (MANE Select); coding-DNA position 562, T replaced by A.
Protein change: p.Ser188Thr; replaces serine 188 with threonine.
Molecular consequence: missense variant. On other transcripts: 5 prime UTR variant (1).
Genome position (GRCh38, 1-based): chr18:55,279,644, A>T on the plus strand (T>A on the coding strand, the complement: TCF4 is on the minus strand). VCF-style: chr18-55279644-A-T. GRCh37 (hg19) VCF-style: chr18-52946875-A-T.
Other names: c.868T>A, p.Ser290Thr (NM_001243226.3); c.490T>A, p.Ser164Thr (NM_001243227.2, NM_001306207.1, NM_001348217.1 and 9 more transcripts); c.580T>A, p.Ser194Thr (NM_001243228.2); c.556T>A, p.Ser186Thr (NM_001243230.2); c.436T>A, p.Ser146Thr (NM_001243231.2, NM_001348211.2); c.349T>A, p.Ser117Thr (NM_001243232.1, NM_001306208.1); c.172T>A, p.Ser58Thr (NM_001243233.2, NM_001330605.3, NM_001348212.2 and 1 more transcripts); c.82T>A, p.Ser28Thr (NM_001243234.2, NM_001243235.2, NM_001243236.2 and 2 more transcripts); and 4 more; short protein forms S117T, S146T, S163T, S164T, S186T, S187T, S188T, S194T.
Identifiers: ClinVar variation 1327136 (VCV001327136.2), dbSNP rs2146265783, ClinGen allele CA402701909.

ClinVar aggregate classification (germline): Uncertain significance (1 of 4 stars; one submission).

Conditions:
SUDDEN INFANT DEATH SYNDROME (SIDS). Also called: Sudden Infant Death. Identifiers: MedGen C0038644, MeSH D013398, OMIM 272120.

Submission:

Robert's Program, Boston Children's Hospital
Classification: Uncertain significance for SUDDEN INFANT DEATH SYNDROME. Last evaluated: 2021-10-01. Review status: criteria provided, single submitter. Criteria: ACMG Guidelines, 2015. Collection method: research. Allele origin: germline. Affected: yes.
Comment: We classify this variant as a variant of uncertain significance using ACMG/AMP criteria. As this variant has been validated in an exome-wide approach, we suspect this variant is favoring pathogenic.